The following is an entry in ClinVar:

NM_001323289.2(CDKL5):c.629del (p.Leu210fs)

Gene: CDKL5 (cyclin dependent kinase like 5; plus strand). Cytogenetic location: Xp22.13.
Variant type: Deletion.
Coding change: c.629del on transcript NM_001323289.2 (MANE Select); coding-DNA position 629, one base deleted (T; older notation c.629delT).
Protein change: p.Leu210fs; shifts the reading frame from leucine 210.
Molecular consequence: frameshift variant.
Genome position (GRCh38, 1-based): chrX:18,588,028, T deleted; the last of 3 consecutive T bases (chrX:18,588,026-18,588,028); deleting any one gives the same sequence. VCF-style (leftmost placement, unchanged base first): chrX-18588025-CT-C. GRCh37 (hg19) VCF-style: chrX-18606145-CT-C.
Other names: c.629del, p.Leu210fs (NM_001037343.2, NM_003159.3); c.629delT (NM_003159.2); short protein forms L210fs.
Identifiers: ClinVar variation 524152 (VCV000524152.2), dbSNP rs1555950470, ClinGen allele CA658799603.

ClinVar aggregate classification (germline): Pathogenic (1 of 4 stars; one submission).

Submission:

GeneDx
Classification: Pathogenic. Last evaluated: 2018-05-01. Review status: criteria provided, single submitter. Criteria: GeneDx Variant Classification (06012015). Collection method: clinical testing. Allele origin: germline. Affected: yes.
Comment: The c.629delT variant in the CDKL5 gene has not been reported previously as a pathogenic variant nor as a benign variant, to our knowledge. The c.629delT variant causes a frameshift starting with codon Leucine 210, changes this amino acid to a Tyrosine residue, and creates a premature Stop codon at position 18 of the new reading frame, denoted p.Leu210TryfsX18. This variant is predicted to cause loss of normal protein function either through protein truncation or nonsense-mediated mRNA decay. The c.629delT variant is not observed in large population cohorts (Lek et al., 2016). We interpret c.629delT as a pathogenic variant.